The following is an entry in ClinVar:

ClinVar aggregate classification (germline): Uncertain significance (1 of 4 stars; one submission).

Conditions:
Gamma-aminobutyric acid transaminase deficiency (GABATD). Also called: GABA aminotransaminase deficiency; GABA transaminase deficiency; Gamma aminobutyrate transaminase deficiency; 4 alpha aminobutyrate transaminase deficiency. Identifiers: Orphanet 2066, MedGen C0342708, MONDO:0013166, OMIM 613163.

Allele frequency attached by ClinVar (database versions not stated): gnomAD 0.00001 and 0.00003; gnomAD exomes 0.00001 and 0.00003; TOPMed 0.00001; ExAC 0.00003; ESP Exome Variant Server 0.00008; 1000 Genomes Project 0.00040; 1000 Genomes Project 30x 0.00047.
gnomAD v4.1: 18 of 1,613,926 alleles (0.0011%); highest among the groups gnomAD compares: African/African-American, 0.0053%; no homozygotes.

Submission:

Labcorp Genetics (formerly Invitae), Labcorp
Classification: Uncertain significance for Gamma-aminobutyric acid transaminase deficiency. Last evaluated: 2021-08-31. Review status: criteria provided, single submitter. Criteria: Invitae Variant Classification Sherloc (09022015). Collection method: clinical testing. Allele origin: germline.
Comment: This sequence change replaces valine with alanine at codon 37 of the ABAT protein (p.Val37Ala). The valine residue is weakly conserved and there is a small physicochemical difference between valine and alanine. This variant is present in population databases (rs373781844, ExAC 0.02%). This variant has not been reported in the literature in individuals affected with ABAT-related conditions. Algorithms developed to predict the effect of missense changes on protein structure and function are either unavailable or do not agree on the potential impact of this missense change (SIFT: "Deleterious"; PolyPhen-2: "Benign"; Align-GVGD: "Class C0"). In summary, the available evidence is currently insufficient to determine the role of this variant in disease. Therefore, it has been classified as a Variant of Uncertain Significance.

NM_020686.6(ABAT):c.110T>C (p.Val37Ala)

Gene: ABAT (4-aminobutyrate aminotransferase; plus strand). Cytogenetic location: 16p13.2.
Variant type: single nucleotide variant.
Coding change: c.110T>C on transcript NM_020686.6 (MANE Select); coding-DNA position 110, T replaced by C.
Protein change: p.Val37Ala; replaces valine 37 with alanine.
Molecular consequence: missense variant. On other transcripts: 5 prime UTR variant (3), intron variant (2).
Genome position (GRCh38, 1-based): chr16:8,746,040, T>C. VCF-style: chr16-8746040-T-C. GRCh37 (hg19) VCF-style: chr16-8839897-T-C.
Other names: c.110T>C, p.Val37Ala (NM_000663.5, NM_001127448.2, NM_001386600.1 and 11 more transcripts); c.-26T>C (NM_001386611.1, NM_001386612.1, NM_001386613.1); c.71-2068T>C (NM_001386610.1); c.70+10231T>C (NM_001386614.1); short protein forms V37A.
Identifiers: ClinVar variation 1391573 (VCV001391573.5), dbSNP rs373781844, ClinGen allele CA7892963.